The following is an entry in ClinVar:

ClinVar aggregate classification (germline): Pathogenic (1 of 4 stars; one submission).

Submission:

Labcorp Genetics (formerly Invitae), Labcorp
Classification: Pathogenic. Last evaluated: 2022-11-15. Review status: criteria provided, single submitter. Criteria: Invitae Variant Classification Sherloc (09022015). Collection method: clinical testing. Allele origin: germline.
Comment: This sequence change creates a premature translational stop signal (p.Asn344*) in the TTC37 gene. It is expected to result in an absent or disrupted protein product. Loss-of-function variants in TTC37 are known to be pathogenic (PMID: 20176027, 21120949). For these reasons, this variant has been classified as Pathogenic. ClinVar contains an entry for this variant (Variation ID: 1402735). This variant has not been reported in the literature in individuals affected with TTC37-related conditions. This variant is not present in population databases (gnomAD no frequency).

Literature cited by the submitters: PubMed 20176027; PubMed 21120949.

NM_014639.4(SKIC3):c.1029dup (p.Asn344Ter)

Gene: SKIC3 (SKI3 subunit of superkiller complex; minus strand). Cytogenetic location: 5q15.
Variant type: Duplication.
Coding change: c.1029dup on transcript NM_014639.4 (MANE Select); coding-DNA position 1029, one base duplicated (T; older notation c.1029dupT).
Protein change: p.Asn344Ter; replaces asparagine 344 with a stop codon.
Molecular consequence: nonsense.
Genome position (GRCh38, 1-based): chr5:95,528,118, A duplicated on the plus strand (T on the coding strand, the reverse complement: SKIC3 is on the minus strand). VCF-style (leftmost placement, unchanged base first): chr5-95528117-T-TA. GRCh37 (hg19) VCF-style: chr5-94863821-T-TA.
Other names: short protein forms N344*.
Identifiers: ClinVar variation 1402735 (VCV001402735.6), dbSNP rs2112344793, ClinGen allele CA2573140063.